The following is an entry in ClinVar:

ClinVar aggregate classification (germline): Uncertain significance (1 of 4 stars; one submission).

Conditions:
Dilated cardiomyopathy 1G (CMD1G). Identifiers: Orphanet 154, MedGen C1858763, MONDO:0011400, OMIM 604145.
Autosomal recessive limb-girdle muscular dystrophy type 2J (LGMDR10). Also called: Limb-girdle muscular dystrophy, type 2J; MUSCULAR DYSTROPHY, LIMB-GIRDLE, AUTOSOMAL RECESSIVE 10. Identifiers: Orphanet 140922, MedGen C1837342, MONDO:0012127, OMIM 608807.

Allele frequency attached by ClinVar (database versions not stated): gnomAD exomes below 0.00001; TOPMed below 0.00001.
gnomAD v4.1: 2 of 1,613,904 alleles (0.00012%); highest among the groups gnomAD compares: Non-Finnish European, 0.00017%; no homozygotes.

Submission:

Labcorp Genetics (formerly Invitae), Labcorp
Classification: Uncertain significance for Dilated cardiomyopathy 1G; Autosomal recessive limb-girdle muscular dystrophy type 2J. Last evaluated: 2020-09-24. Review status: criteria provided, single submitter. Criteria: Invitae Variant Classification Sherloc (09022015). Collection method: clinical testing. Allele origin: germline.
Comment: This sequence change replaces asparagine with serine at codon 31776 of the TTN protein (p.Asn31776Ser). There is a small physicochemical difference between asparagine and serine. This variant is not present in population databases (ExAC no frequency). This variant has not been reported in the literature in individuals with TTN-related conditions. Algorithms developed to predict the effect of missense changes on protein structure and function are unavailable for the TTN gene. Algorithms developed to predict the effect of sequence changes on RNA splicing suggest that this variant may create or strengthen a splice site, but this prediction has not been confirmed by published transcriptional studies. In summary, the available evidence is currently insufficient to determine the role of this variant in disease. Therefore, it has been classified as a Variant of Uncertain Significance. This variant is located in the A band of TTN (PMID: 25589632). Variants in this region may be relevant for cardiac or neuromuscular disorders (PMID: 25589632, 23975875).

Literature cited by the submitters: PubMed 25589632; PubMed 23975875.

NM_001267550.2(TTN):c.95327A>G (p.Asn31776Ser)

Genes: TTN-AS1 (TTN antisense RNA 1; plus strand), TTN (titin; minus strand). Cytogenetic location: 2q31.2.
Variant type: single nucleotide variant.
Coding change: c.95327A>G on transcript NM_001267550.2 (MANE Select); coding-DNA position 95327, A replaced by G.
Protein change: p.Asn31776Ser; replaces asparagine 31776 with serine.
Molecular consequence: missense variant.
Genome position (GRCh38, 1-based): chr2:178,545,909, T>C on the plus strand (A>G on the coding strand, the complement: TTN is on the minus strand). VCF-style: chr2-178545909-T-C. GRCh37 (hg19) VCF-style: chr2-179410636-T-C.
Other names: c.90404A>G, p.Asn30135Ser (NM_001256850.1); c.68132A>G, p.Asn22711Ser (NM_003319.4); c.87623A>G, p.Asn29208Ser (NM_133378.4); c.68507A>G, p.Asn22836Ser (NM_133432.3); c.68708A>G, p.Asn22903Ser (NM_133437.4); short protein forms N22711S, N22836S, N22903S, N29208S, N30135S, N31776S.
Identifiers: ClinVar variation 1002848 (VCV001002848.7), dbSNP rs1696881072, ClinGen allele CA349462916.
Genomic context (GRCh38, chr2:178,545,909, plus strand): 5'-GATTCAACAGGCACACCAGGGCCATATTTGTTTACTGCCCTCACTCGGAATATGTACTCA[T>C]TGTTCTTGATGAGCCTGGTAACGACATAGGATAGGGTTGGGCATTCGCCTTCAACAATCA-3'
Protein context (NP_001254479.2, residues 31766-31786): SYVVTRLIKN[Asn31776Ser]EYIFRVRAVN